The following is an entry in ClinVar:

NM_006262.4(PRPH):c.807C>T (p.Arg269=)

Genes: PRPH (peripherin; plus strand), TROAP-AS1 (TROAP and PRPH antisense RNA 1; minus strand). Cytogenetic location: 12q13.12.
Variant type: single nucleotide variant.
Coding change: c.807C>T on transcript NM_006262.4 (MANE Select); coding-DNA position 807, C replaced by T.
Protein change: p.Arg269=; no amino-acid change (arginine 269 retained).
Molecular consequence: synonymous variant. On other transcripts: non-coding transcript variant (1).
Genome position (GRCh38, 1-based): chr12:49,296,993, C>T. VCF-style: chr12-49296993-C-T. GRCh37 (hg19) VCF-style: chr12-49690776-C-T.
Identifiers: ClinVar variation 2642969 (VCV002642969.24), dbSNP rs779483681, ClinGen allele CA6550950.

ClinVar aggregate classification (germline): Likely benign (1 of 4 stars; one submission).

Allele frequency attached by ClinVar (database versions not stated): gnomAD 0.00001; ExAC 0.00002; TOPMed 0.00002.

Submission:

CeGaT Center for Human Genetics Tuebingen
Classification: Likely benign. Last evaluated: 2022-03-01. Review status: criteria provided, single submitter. Criteria: CeGaT Center For Human Genetics Tuebingen Variant Classification Criteria Version 2. Collection method: clinical testing. Allele origin: germline. Affected: yes. Observed: 1 variant allele.
Comment: PRPH: BP4, BP7